The following is an entry in ClinVar:

NM_001330700.2(TOP2B):c.2300A>G (p.Gln767Arg)

Gene: TOP2B (DNA topoisomerase II beta; minus strand). Cytogenetic location: 3p24.2.
Variant type: single nucleotide variant.
Coding change: c.2300A>G on transcript NM_001330700.2 (MANE Select); coding-DNA position 2300, A replaced by G.
Protein change: p.Gln767Arg; replaces glutamine 767 with arginine.
Molecular consequence: missense variant.
Genome position (GRCh38, 1-based): chr3:25,624,728, T>C on the plus strand (A>G on the coding strand, the complement: TOP2B is on the minus strand). VCF-style: chr3-25624728-T-C. GRCh37 (hg19) VCF-style: chr3-25666219-T-C.
Other names: c.2285A>G, p.Gln762Arg (NM_001068.3); short protein forms Q767R, Q762R.
Identifiers: ClinVar variation 4998427 (VCV004998427.1).

ClinVar aggregate classification (germline): Uncertain significance (1 of 4 stars; one submission).

Conditions:
TOP2B-related disorder. Also called: TOP2B-related condition.

gnomAD v4.1: 1 of 1,613,874 alleles (0.000062%); highest among the groups gnomAD compares: Non-Finnish European, 0.000085%; no homozygotes.

Submission:

PreventionGenetics, part of Exact Sciences
Classification: Uncertain significance for TOP2B-related condition. Last evaluated: 2025-07-09. Review status: criteria provided, single submitter. Criteria: ACMG Guidelines, 2015. Collection method: clinical testing. Allele origin: germline.
Comment: The TOP2B c.2300A>G variant is predicted to result in the amino acid substitution p.Gln767Arg. To our knowledge, this variant has not been reported in the literature or in a large population database (gnomAD), indicating this variant is rare. At this time, the clinical significance of this variant is uncertain due to the absence of conclusive functional and genetic evidence.